The following is an entry in ClinVar:

NM_000138.5(FBN1):c.5475C>T (p.Ile1825=)

Gene: FBN1 (fibrillin 1; minus strand). Cytogenetic location: 15q21.1.
Variant type: single nucleotide variant.
Coding change: c.5475C>T on transcript NM_000138.5 (MANE Select); coding-DNA position 5475, C replaced by T.
Protein change: p.Ile1825=; no amino-acid change (isoleucine 1825 retained).
Molecular consequence: synonymous variant.
Genome position (GRCh38, 1-based): chr15:48,452,632, G>A on the plus strand (C>T on the coding strand, the complement: FBN1 is on the minus strand). VCF-style: chr15-48452632-G-A. GRCh37 (hg19) VCF-style: chr15-48744829-G-A.
Other names: c.5475C>T, p.Ile1825= (NM_001406716.1).
Identifiers: ClinVar variation 3070875 (VCV003070875.1), dbSNP rs2505470696, ClinGen allele CA490023751.

ClinVar aggregate classification (germline): Uncertain significance (1 of 4 stars; one submission).

Conditions:
Marfan syndrome (MFS). Also called: MARFAN SYNDROME, TYPE I; Marfan syndrome type 1; Marfan's syndrome; Marfan syndrome, classic; FBN1-Related Marfan Syndrome. Identifiers: Orphanet 284963, Orphanet 558, MedGen C0024796, MONDO:0007947, OMIM 154700.

Submission:

All of Us Research Program, National Institutes of Health
Classification: Uncertain significance for Marfan syndrome. Last evaluated: 2023-05-04. Review status: criteria provided, single submitter. Criteria: ACMG Guidelines, 2015. Collection method: clinical testing. Allele origin: germline. Inheritance: Autosomal dominant inheritance. Observed: 1 variant allele, 1 heterozygote.
Comment: This variant is located in the FBN1 protein. To our knowledge, functional studies have not been reported for this variant. This variant has not been reported in individuals affected with FBN1-related disorders in the literature. This variant has not been identified in the general population by the Genome Aggregation Database (gnomAD). The available evidence is insufficient to determine the role of this variant in disease conclusively. Therefore, this variant is classified as a Variant of Uncertain Significance.

This study involves interpretation of variants in research participants for the purpose of population health screening. Participant phenotype was not available at the time of variant classification. Additional details can be found in publication PMID: 35346344, PMCID: PMC8962531